The following is an entry in ClinVar:

ClinVar aggregate classification (germline): Pathogenic (1 of 4 stars; one submission).

Conditions:
BMPR2-related disorder. Also called: BMPR2-related disorders; BMPR2-related condition.

Submission:

PreventionGenetics, part of Exact Sciences
Classification: Pathogenic for BMPR2-related condition. Last evaluated: 2026-06-25. Review status: criteria provided, single submitter. Criteria: ACMG Guidelines, 2015. Collection method: clinical testing. Allele origin: germline.
Comment: The BMPR2 c.63dupC variant is predicted to result in a frameshift and premature protein termination (p.Ser22Glnfs*16). To our knowledge, this variant has not been reported in the literature or in a large population database (gnomAD), indicating this variant is rare. Frameshift variants in BMPR2 are expected to be pathogenic. This variant is interpreted as pathogenic.

NM_001204.7(BMPR2):c.63dup (p.Ser22fs)

Gene: BMPR2 (bone morphogenetic protein receptor type 2; plus strand). Cytogenetic location: 2q33.1.
Variant type: Duplication.
Coding change: c.63dup on transcript NM_001204.7 (MANE Select); coding-DNA position 63, one base duplicated (C; older notation c.63dupC).
Protein change: p.Ser22fs; shifts the reading frame from serine 22.
Molecular consequence: frameshift variant.
Genome position (GRCh38, 1-based): chr2:202,377,537, C duplicated. VCF-style (leftmost placement, unchanged base first): chr2-202377536-T-TC. GRCh37 (hg19) VCF-style: chr2-203242259-T-TC.
Other names: c.63dupC (NM_001204.6); short protein forms S22fs.
Identifiers: ClinVar variation 4991017 (VCV004991017.1).